The following is an entry in ClinVar:

ClinVar aggregate classification (germline): Pathogenic/Likely pathogenic. Review status: criteria provided, multiple submitters, no conflicts (2 of 4 stars). 2 submissions from 2 submitters: Pathogenic (1); Likely pathogenic (1). Last evaluated 2023-05-08.

Conditions:
Severe combined immunodeficiency, autosomal recessive, T cell-negative, B cell-negative, NK cell-positive. Also called: SCID, T CELL-NEGATIVE, B CELL-NEGATIVE, NK CELL-POSITIVE; SCID, AR, T-cell negative, B-cell negative, NK cell-positive; Severe combined immunodeficiency due to complete RAG1/2 deficiency. Identifiers: Orphanet 331206, MedGen C1832322, MONDO:0011086, OMIM 601457.
Combined immunodeficiency with skin granulomas. Identifiers: Orphanet 157949, MedGen C2673536, MONDO:0009306, OMIM 233650.

Submissions (2):

Genomic Medicine Center of Excellence, King Faisal Specialist Hospital and Research Centre
Classification: Pathogenic for Severe combined immunodeficiency, autosomal recessive, T cell-negative, B cell-negative, NK cell-positive. Last evaluated: 2023-05-08. Review status: criteria provided, single submitter. Criteria: ACMG Guidelines, 2015. Collection method: research. Allele origin: germline. Affected: yes.

Baylor Genetics
Classification: Likely pathogenic for Combined immunodeficiency with skin granulomas. Last evaluated: 2020-06-03. Review status: criteria provided, single submitter. Criteria: ACMG Guidelines, 2015. Collection method: clinical testing. Allele origin: unknown. Affected: yes.
Comment: This variant was determined to be likely pathogenic according to ACMG Guidelines, 2015 [PMID:25741868].

NM_000536.4(RAG2):c.686G>C (p.Arg229Pro)

Gene: RAG2 (recombination activating 2; minus strand). Cytogenetic location: 11p12.
Variant type: single nucleotide variant.
Coding change: c.686G>C on transcript NM_000536.4 (MANE Select); coding-DNA position 686, G replaced by C.
Protein change: p.Arg229Pro; replaces arginine 229 with proline.
Molecular consequence: missense variant.
Genome position (GRCh38, 1-based): chr11:36,593,483, C>G on the plus strand (G>C on the coding strand, the complement: RAG2 is on the minus strand). VCF-style: chr11-36593483-C-G. GRCh37 (hg19) VCF-style: chr11-36615033-C-G.
Other names: c.686G>C, p.Arg229Pro (NM_001243785.2, NM_001243786.2); short protein forms R229P.
Identifiers: ClinVar variation 1029904 (VCV001029904.2), dbSNP rs121917894, ClinGen allele CA380142321.